The following is an entry in ClinVar:

NM_003401.5(XRCC4):c.259A>T (p.Asn87Tyr)

Gene: XRCC4 (X-ray repair cross complementing 4; plus strand). Cytogenetic location: 5q14.2.
Variant type: single nucleotide variant.
Coding change: c.259A>T on transcript NM_003401.5 (MANE Select); coding-DNA position 259, A replaced by T.
Protein change: p.Asn87Tyr; replaces asparagine 87 with tyrosine.
Molecular consequence: missense variant.
Genome position (GRCh38, 1-based): chr5:83,111,147, A>T. VCF-style: chr5-83111147-A-T. GRCh37 (hg19) VCF-style: chr5-82406966-A-T.
Other names: c.259A>T, p.Asn87Tyr (NM_001131022.1, NM_001318012.3, NM_001318013.2 and 2 more transcripts); short protein forms N87Y.
Identifiers: ClinVar variation 2189143 (VCV002189143.1), dbSNP rs149355996, ClinGen allele CA3332120.

ClinVar aggregate classification (germline): Uncertain significance (1 of 4 stars; one submission).

Allele frequency attached by ClinVar (database versions not stated): ExAC 0.00001; gnomAD 0.00001; TOPMed 0.00001; ESP Exome Variant Server 0.00008.
gnomAD v4.1: 64 of 1,604,432 alleles (0.004%); highest among the groups gnomAD compares: Non-Finnish European, 0.0054%; no homozygotes.

Submission:

Labcorp Genetics (formerly Invitae), Labcorp
Classification: Uncertain significance. Last evaluated: 2022-08-21. Review status: criteria provided, single submitter. Criteria: Invitae Variant Classification Sherloc (09022015). Collection method: clinical testing. Allele origin: germline.
Comment: This sequence change replaces asparagine, which is neutral and polar, with tyrosine, which is neutral and polar, at codon 87 of the XRCC4 protein (p.Asn87Tyr). This variant is present in population databases (rs149355996, gnomAD 0.0009%). This variant has not been reported in the literature in individuals affected with XRCC4-related conditions. Algorithms developed to predict the effect of missense changes on protein structure and function are either unavailable or do not agree on the potential impact of this missense change (SIFT: "Not Available"; PolyPhen-2: "Possibly Damaging"; Align-GVGD: "Not Available"). In summary, the available evidence is currently insufficient to determine the role of this variant in disease. Therefore, it has been classified as a Variant of Uncertain Significance.